The following is an entry in ClinVar:

NM_005359.6(SMAD4):c.1392del (p.Val465fs)

Gene: SMAD4 (SMAD family member 4; plus strand). Cytogenetic location: 18q21.2.
Variant type: Deletion.
Coding change: c.1392del on transcript NM_005359.6 (MANE Select); coding-DNA position 1392, one base deleted (C; older notation c.1392delC).
Protein change: p.Val465fs; shifts the reading frame from valine 465.
Molecular consequence: frameshift variant.
Genome position (GRCh38, 1-based): chr18:51,076,721, C deleted; the last of 2 consecutive C bases (chr18:51,076,720-51,076,721); deleting either gives the same sequence. VCF-style (leftmost placement, unchanged base first): chr18-51076719-GC-G. GRCh37 (hg19) VCF-style: chr18-48603089-GC-G.
Other names: short protein forms V465fs.
Identifiers: ClinVar variation 987795 (VCV000987795.3), dbSNP rs1910480814, ClinGen allele CA1139666072.

ClinVar aggregate classification (germline): Pathogenic/Likely pathogenic. Review status: criteria provided, multiple submitters, no conflicts (2 of 4 stars). 3 submissions from 3 submitters: Pathogenic (2); Likely pathogenic (1). Last evaluated 2025-11-19.

Conditions:
Hereditary cancer-predisposing syndrome. Also called: Tumor predisposition; Hereditary neoplastic syndrome; Neoplastic Syndromes, Hereditary; Hereditary Cancer Syndrome. Identifiers: Orphanet 140162, MedGen C0027672, MeSH D009386, MONDO:0015356.
Familial thoracic aortic aneurysm and aortic dissection (TAAD). Also called: Thoracic aortic aneurysms and dissections. Identifiers: Orphanet 91387, MedGen C4707243, MONDO:0019625.
Juvenile polyposis syndrome (JPS). Identifiers: Orphanet 2929, MedGen C0345893, MONDO:0017380, OMIM 174900.
Generalized juvenile polyposis/juvenile polyposis coli. Also called: Juvenile polyposis coli. Identifiers: Orphanet 329971, MedGen C1868081, MONDO:0008276.

Submissions (3):

Labcorp Genetics (formerly Invitae), Labcorp
Classification: Pathogenic for Juvenile polyposis syndrome. Last evaluated: 2025-11-19. Review status: criteria provided, single submitter. Criteria: Invitae Variant Classification Sherloc (09022015). Collection method: clinical testing. Allele origin: germline.
Comment: This sequence change creates a premature translational stop signal (p.Val465Trpfs*11) in the SMAD4 gene. While this is not anticipated to result in nonsense mediated decay, it is expected to disrupt the last 89 amino acid(s) of the SMAD4 protein. This variant is not present in population databases (gnomAD no frequency). This variant has not been reported in the literature in individuals affected with SMAD4-related conditions. ClinVar contains an entry for this variant (Variation ID: 987795). This variant disrupts a region of the SMAD4 protein in which other variant(s) (p.Ala532Profs*5) have been determined to be pathogenic (PMID: 15031030; internal data). This suggests that this is a clinically significant region of the protein, and that variants that disrupt it are likely to be disease-causing. For these reasons, this variant has been classified as Pathogenic.

Ambry Genetics
Classification: Pathogenic for Hereditary cancer-predisposing syndrome; Familial thoracic aortic aneurysm and aortic dissection. Last evaluated: 2025-04-24. Review status: criteria provided, single submitter. Criteria: Ambry Variant Classification Scheme 2023. Collection method: clinical testing. Allele origin: germline.
Comment: The c.1392delC pathogenic mutation, located in coding exon 10 of the SMAD4 gene, results from a deletion of one nucleotide at nucleotide position 1392, causing a translational frameshift with a predicted alternate stop codon (p.V465Wfs*11). This alteration occurs at the 3' terminus of theSMAD4 gene, is not expected to trigger nonsense-mediated mRNA decay, and impacts the last 16% of the protein. However, premature stop codons are typically deleterious in nature and a significant portion of the protein is affected (Ambry internal data). This variant is considered to be rare based on population cohorts in the Genome Aggregation Database (gnomAD). Based on the supporting evidence, this variant is interpreted as a disease-causing mutation.

Women's Health and Genetics/Laboratory Corporation of America, LabCorp
Classification: Likely pathogenic for Juvenile polyposis syndrome. Last evaluated: 2020-11-25. Review status: criteria provided, single submitter. Criteria: LabCorp Variant Classification Summary - May 2015. Collection method: clinical testing. Allele origin: germline.
Comment: Variant summary: SMAD4 c.1392delC (p.Val465TrpfsX11) results in a premature termination codon, predicted to cause a truncation of the encoded protein or absence of the protein due to nonsense mediated decay, which are commonly known mechanisms for disease. Truncations downstream of this position have not been observed at our laboratory, but have been reported and classified as pathogenic with supporting citations in databases. The variant was absent in 251220 control chromosomes. To our knowledge, no occurrence of c.1392delC in individuals affected with Juvenile Polyposis Syndrome and no experimental evidence demonstrating its impact on protein function have been reported. No clinical diagnostic laboratories have submitted clinical-significance assessments for this variant to ClinVar after 2014. Based on the evidence outlined above, the variant was classified as likely pathogenic.

Literature cited by the submitters: PubMed 15031030 (cited by Labcorp Genetics (formerly Invitae), Labcorp).